The following is an entry in ClinVar:

NM_014324.6(AMACR):c.740-3C>T

Genes: AMACR (alpha-methylacyl-CoA racemase; minus strand), C1QTNF3-AMACR (C1QTNF3-AMACR readthrough (NMD candidate); minus strand). Cytogenetic location: 5p13.2.
Variant type: single nucleotide variant.
Coding change: c.740-3C>T on transcript NM_014324.6 (MANE Select); 3 bases into the intron before coding-DNA position 740, C replaced by T.
Molecular consequence: intron variant.
Genome position (GRCh38, 1-based): chr5:33,989,505, G>A on the plus strand (C>T on the coding strand, the complement: AMACR is on the minus strand). VCF-style: chr5-33989505-G-A. GRCh37 (hg19) VCF-style: chr5-33989610-G-A.
Other names: c.579-3C>T (NM_203382.3); c.740-3C>T (NM_001167595.2).
Identifiers: ClinVar variation 1896152 (VCV001896152.2), dbSNP rs1753411609, ClinGen allele CA1538229284.

ClinVar aggregate classification (germline): Uncertain significance (1 of 4 stars; one submission).

Conditions:
Alpha-methylacyl-CoA racemase deficiency (AMACRD). Also called: AMACR deficiency. Identifiers: Orphanet 79095, MedGen C3280428, MONDO:0013681, OMIM 614307. Disease mechanism: loss of function.

Allele frequency attached by ClinVar (database versions not stated): TOPMed below 0.00001.
gnomAD v4.1: 2 of 1,611,504 alleles (0.00012%); highest among the groups gnomAD compares: Non-Finnish European, 0.00017%; no homozygotes.

Submission:

Labcorp Genetics (formerly Invitae), Labcorp
Classification: Uncertain significance for Alpha-methylacyl-CoA racemase deficiency. Last evaluated: 2021-12-07. Review status: criteria provided, single submitter. Criteria: Invitae Variant Classification Sherloc (09022015). Collection method: clinical testing. Allele origin: germline.
Comment: This sequence change falls in intron 4 of the AMACR gene. It does not directly change the encoded amino acid sequence of the AMACR protein. It affects a nucleotide within the consensus splice site. This variant is not present in population databases (gnomAD no frequency). This variant has not been reported in the literature in individuals affected with AMACR-related conditions. Variants that disrupt the consensus splice site are a relatively common cause of aberrant splicing (PMID: 17576681, 9536098). Algorithms developed to predict the effect of sequence changes on RNA splicing suggest that this variant is not likely to affect RNA splicing. In summary, the available evidence is currently insufficient to determine the role of this variant in disease. Therefore, it has been classified as a Variant of Uncertain Significance.

Literature cited by the submitters: PubMed 17576681; PubMed 9536098.